The following is an entry in ClinVar:

NM_001009944.3(PKD1):c.8556A>G (p.Ala2852=)

Gene: PKD1 (polycystin 1, transient receptor potential channel interacting; minus strand). Cytogenetic location: 16p13.3.
Variant type: single nucleotide variant.
Coding change: c.8556A>G on transcript NM_001009944.3 (MANE Select); coding-DNA position 8556, A replaced by G.
Protein change: p.Ala2852=; no amino-acid change (alanine 2852 retained).
Molecular consequence: synonymous variant.
Genome position (GRCh38, 1-based): chr16:2,103,501, T>C on the plus strand (A>G on the coding strand, the complement: PKD1 is on the minus strand). VCF-style: chr16-2103501-T-C. GRCh37 (hg19) VCF-style: chr16-2153502-T-C.
Other names: c.8556A>G, p.Ala2852= (NM_000296.4).
Identifiers: ClinVar variation 4984603 (VCV004984603.1).
Genomic context (GRCh38, chr16:2,103,501, plus strand): 5'-GATGGCGCGCTCTGAGGCCAGCCGCTCGATGGGGATCTGGGCGCCGGCCTGTGTCTGGAA[T>C]GCCATCGAGGCCACCTTGGTGGAGACGGTGTAGTTGCTGATATAGCCAAAGGGAAAGGGA-3'
Protein context (NP_001009944.3, residues 2842-2862): YTVSTKVASM[Ala2852=]FQTQAGAQIP

ClinVar aggregate classification (germline): Likely benign (1 of 4 stars; one submission).

Conditions:
PKD1-related disorder. Also called: PKD1-related condition.

gnomAD v4.1: 115 of 1,604,014 alleles (0.0072%); highest among the groups gnomAD compares: Non-Finnish European, 0.0091%; no homozygotes.

Submission:

PreventionGenetics, part of Exact Sciences
Classification: Likely benign for PKD1-related condition. Last evaluated: 2026-02-17. Review status: criteria provided, single submitter. Criteria: ACMG Guidelines, 2015. Collection method: clinical testing. Allele origin: germline.
Comment: This variant is classified as likely benign based on ACMG/AMP sequence variant interpretation guidelines (Richards et al. 2015 PMID: 25741868, with internal and published modifications).